The following is an entry in ClinVar:

NM_019842.4(KCNQ5):c.439T>A (p.Ser147Thr)

Gene: KCNQ5 (potassium voltage-gated channel subfamily Q member 5; plus strand). Cytogenetic location: 6q13.
Variant type: single nucleotide variant.
Coding change: c.439T>A on transcript NM_019842.4 (MANE Select); coding-DNA position 439, T replaced by A.
Protein change: p.Ser147Thr; replaces serine 147 with threonine.
Molecular consequence: missense variant.
Genome position (GRCh38, 1-based): chr6:73,003,948, T>A. VCF-style: chr6-73003948-T-A. GRCh37 (hg19) VCF-style: chr6-73713671-T-A.
Other names: c.439T>A, p.Ser147Thr (NM_001160130.2, NM_001160132.2, NM_001160133.2 and 1 more transcripts); short protein forms S147T.
Identifiers: ClinVar variation 3603997 (VCV003603997.2).

ClinVar aggregate classification (germline): Uncertain significance (1 of 4 stars; one submission).

Submission:

Labcorp Genetics (formerly Invitae), Labcorp
Classification: Uncertain significance. Last evaluated: 2024-12-12. Review status: criteria provided, single submitter. Criteria: Invitae Variant Classification Sherloc (09022015). Collection method: clinical testing. Allele origin: germline.
Comment: This sequence change replaces serine, which is neutral and polar, with threonine, which is neutral and polar, at codon 147 of the KCNQ5 protein (p.Ser147Thr). This variant is not present in population databases (gnomAD no frequency). This variant has not been reported in the literature in individuals affected with KCNQ5-related conditions. Invitae Evidence Modeling of protein sequence and biophysical properties (such as structural, functional, and spatial information, amino acid conservation, physicochemical variation, residue mobility, and thermodynamic stability) indicates that this missense variant is not expected to disrupt KCNQ5 protein function with a negative predictive value of 80%. In summary, the available evidence is currently insufficient to determine the role of this variant in disease. Therefore, it has been classified as a Variant of Uncertain Significance.